The following is an entry in ClinVar:

ClinVar aggregate classification (germline): Uncertain significance (0 of 4 stars; one submission).

Conditions:
PEX6-related disorder. Also called: PEX6-related condition; PEX6-related disorders.

Submission:

PreventionGenetics, part of Exact Sciences
Classification: Uncertain significance for PEX6-related condition. Last evaluated: 2024-07-03. Review status: no assertion criteria provided. Collection method: clinical testing. Allele origin: germline.
Comment: The PEX6 c.1438G>T variant is predicted to result in the amino acid substitution p.Val480Phe. To our knowledge, this variant has not been reported in the literature or in a large population database, indicating this variant is rare. At this time, the clinical significance of this variant is uncertain due to the absence of conclusive functional and genetic evidence.

NM_000287.4(PEX6):c.1438G>T (p.Val480Phe)

Gene: PEX6 (peroxisomal biogenesis factor 6; minus strand). Cytogenetic location: 6p21.1.
Variant type: single nucleotide variant.
Coding change: c.1438G>T on transcript NM_000287.4 (MANE Select); coding-DNA position 1438, G replaced by T.
Protein change: p.Val480Phe; replaces valine 480 with phenylalanine.
Molecular consequence: missense variant. On other transcripts: non-coding transcript variant (1).
Genome position (GRCh38, 1-based): chr6:42,968,915, C>A on the plus strand (G>T on the coding strand, the complement: PEX6 is on the minus strand). VCF-style: chr6-42968915-C-A. GRCh37 (hg19) VCF-style: chr6-42936653-C-A.
Other names: c.1174G>T, p.Val392Phe (NM_001316313.2); short protein forms V392F, V480F.
Identifiers: ClinVar variation 3347802 (VCV003347802.1).